The following is an entry in ClinVar:

ClinVar aggregate classification (germline): Uncertain significance. Review status: criteria provided, multiple submitters, no conflicts (2 of 4 stars). 2 submissions from 2 submitters: Uncertain significance (2). Last evaluated 2024-07-04.

Conditions:
Developmental delay, hypotonia, musculoskeletal defects, and behavioral abnormalities. Identifiers: MedGen C5562012, MONDO:0859202, OMIM 619595.
Floating-Harbor syndrome (FLHS). Also called: SRCAP-Related Floating-Harbor Syndrome; Short stature with delayed bone age, expressive language delay, a triangular face with a prominent nose and deep-set eyes; Pelletier-Leisti syndrome. Identifiers: Orphanet 2044, MedGen C0729582, MONDO:0007621, OMIM 136140.

gnomAD v4.1: 19 of 1,613,848 alleles (0.0012%); highest among the groups gnomAD compares: Middle Eastern, 0.017%; no homozygotes.

Submissions (2):

Labcorp Genetics (formerly Invitae), Labcorp
Classification: Uncertain significance. Last evaluated: 2024-07-04. Review status: criteria provided, single submitter. Criteria: Invitae Variant Classification Sherloc (09022015). Collection method: clinical testing. Allele origin: germline.
Comment: This sequence change replaces arginine, which is basic and polar, with cysteine, which is neutral and slightly polar, at codon 954 of the SRCAP protein (p.Arg954Cys). This variant is not present in population databases (gnomAD no frequency). This variant has not been reported in the literature in individuals affected with SRCAP-related conditions. Advanced modeling of protein sequence and biophysical properties (such as structural, functional, and spatial information, amino acid conservation, physicochemical variation, residue mobility, and thermodynamic stability) has been performed at Invitae for this missense variant, however the output from this modeling did not meet the statistical confidence thresholds required to predict the impact of this variant on SRCAP protein function. In summary, the available evidence is currently insufficient to determine the role of this variant in disease. Therefore, it has been classified as a Variant of Uncertain Significance.

Fulgent Genetics
Classification: Uncertain significance for Floating-Harbor syndrome; Developmental delay, hypotonia, musculoskeletal defects, and behavioral abnormalities. Last evaluated: 2024-05-14. Review status: criteria provided, single submitter. Criteria: ACMG Guidelines, 2015. Collection method: clinical testing. Allele origin: germline.

NM_006662.3(SRCAP):c.2860C>T (p.Arg954Cys)

Gene: SRCAP (Snf2 related CREBBP activator protein; plus strand). Cytogenetic location: 16p11.2.
Variant type: single nucleotide variant.
Coding change: c.2860C>T on transcript NM_006662.3 (MANE Select); coding-DNA position 2860, C replaced by T.
Protein change: p.Arg954Cys; replaces arginine 954 with cysteine.
Molecular consequence: missense variant.
Genome position (GRCh38, 1-based): chr16:30,720,204, C>T. VCF-style: chr16-30720204-C-T. GRCh37 (hg19) VCF-style: chr16-30731525-C-T.
Other names: short protein forms R954C.
Identifiers: ClinVar variation 3580103 (VCV003580103.3).